The following is an entry in ClinVar:

ClinVar aggregate classification (germline): Uncertain significance. Review status: criteria provided, multiple submitters, no conflicts (2 of 4 stars). 2 submissions from 2 submitters: Uncertain significance (2). Last evaluated 2026-03-12.

Submissions (2):

GeneDx
Classification: Uncertain significance. Last evaluated: 2026-03-12. Review status: criteria provided, single submitter. Criteria: GeneDx Variant Classification Process June 2021. Collection method: clinical testing. Allele origin: germline.
Comment: Not observed at significant frequency in large population cohorts (gnomAD); In silico analysis suggests that this missense variant does not alter protein structure/function; Has not been previously published as pathogenic or benign to our knowledge

Labcorp Genetics (formerly Invitae), Labcorp
Classification: Uncertain significance. Last evaluated: 2025-04-22. Review status: criteria provided, single submitter. Criteria: Invitae Variant Classification Sherloc (09022015). Collection method: clinical testing. Allele origin: germline.
Comment: This sequence change replaces glutamic acid, which is acidic and polar, with aspartic acid, which is acidic and polar, at codon 154 of the NSD1 protein (p.Glu154Asp). This variant is not present in population databases (gnomAD no frequency). This variant has not been reported in the literature in individuals affected with NSD1-related conditions. Invitae Evidence Modeling of protein sequence and biophysical properties (such as structural, functional, and spatial information, amino acid conservation, physicochemical variation, residue mobility, and thermodynamic stability) indicates that this missense variant is not expected to disrupt NSD1 protein function with a negative predictive value of 95%. In summary, the available evidence is currently insufficient to determine the role of this variant in disease. Therefore, it has been classified as a Variant of Uncertain Significance.

NM_022455.5(NSD1):c.462G>T (p.Glu154Asp)

Gene: NSD1 (nuclear receptor binding SET domain protein 1; plus strand). Cytogenetic location: 5q35.3.
Variant type: single nucleotide variant.
Coding change: c.462G>T on transcript NM_022455.5 (MANE Select); coding-DNA position 462, G replaced by T.
Protein change: p.Glu154Asp; replaces glutamic acid 154 with aspartic acid.
Molecular consequence: missense variant. On other transcripts: intron variant (8).
Genome position (GRCh38, 1-based): chr5:177,135,565, G>T. VCF-style: chr5-177135565-G-T. GRCh37 (hg19) VCF-style: chr5-176562566-G-T.
Other names: c.462G>T, p.Glu154Asp (NM_001409301.1, NM_001409302.1, NM_001409303.1); c.417+45G>T (NM_001409304.1); c.-37+365G>T (NM_001409305.1, NM_001409306.1, NM_001409308.1 and 4 more transcripts); short protein forms E154D.
Identifiers: ClinVar variation 4778009 (VCV004778009.2).